The following is an entry in ClinVar:

NM_000548.5(TSC2):c.439A>C (p.Thr147Pro)

Gene: TSC2 (TSC complex subunit 2; plus strand). Cytogenetic location: 16p13.3.
Variant type: single nucleotide variant.
Coding change: c.439A>C on transcript NM_000548.5 (MANE Select); coding-DNA position 439, A replaced by C.
Protein change: p.Thr147Pro; replaces threonine 147 with proline.
Molecular consequence: missense variant. On other transcripts: 5 prime UTR variant (14), non-coding transcript variant (5), intron variant (6).
Genome position (GRCh38, 1-based): chr16:2,054,398, A>C. VCF-style: chr16-2054398-A-C. GRCh37 (hg19) VCF-style: chr16-2104399-A-C.
Other names: c.439A>C, p.Thr147Pro (NM_001077183.3, NM_001114382.3, NM_001363528.2 and 8 more transcripts); c.328A>C, p.Thr110Pro (NM_001318827.2, NM_001406670.1, NM_001406678.1); c.292A>C, p.Thr98Pro (NM_001318829.2, NM_001406675.1, NM_001406676.1 and 1 more transcripts); c.472A>C, p.Thr158Pro (NM_001318832.2); c.529A>C, p.Thr177Pro (NM_001406667.1, NM_001406668.1); c.382A>C, p.Thr128Pro (NM_001406677.1); c.-378A>C (NM_001406680.1, NM_001406683.1, NM_001406687.1); c.-7A>C (NM_001406681.1); and 6 more; short protein forms T98P, T128P, T147P, T158P, T110P, T177P.
Identifiers: ClinVar variation 2747342 (VCV002747342.4), dbSNP rs1596265301, ClinGen allele CA394308341.

ClinVar aggregate classification (germline): Uncertain significance. Review status: criteria provided, multiple submitters, no conflicts (2 of 4 stars). 2 submissions from 2 submitters: Uncertain significance (2). Last evaluated 2024-05-24.

Conditions:
Tuberous sclerosis 2 (TSC2). Identifiers: Orphanet 805, MedGen C1860707, MONDO:0013199, OMIM 613254.

Submissions (2):

GeneDx
Classification: Uncertain significance. Last evaluated: 2024-05-24. Review status: criteria provided, single submitter. Criteria: GeneDx Variant Classification Process June 2021. Collection method: clinical testing. Allele origin: germline. Affected: yes.
Comment: In silico analysis supports that this missense variant has a deleterious effect on protein structure/function; Not observed at significant frequency in large population cohorts (gnomAD); Has not been previously published as pathogenic or benign to our knowledge; This variant is associated with the following publications: (PMID: 18466115, 31799751, 27859028)

Labcorp Genetics (formerly Invitae), Labcorp
Classification: Uncertain significance for Tuberous sclerosis 2. Last evaluated: 2023-07-27. Review status: criteria provided, single submitter. Criteria: Invitae Variant Classification Sherloc (09022015). Collection method: clinical testing. Allele origin: germline.
Comment: Advanced modeling of protein sequence and biophysical properties (such as structural, functional, and spatial information, amino acid conservation, physicochemical variation, residue mobility, and thermodynamic stability) has been performed at Invitae for this missense variant, however the output from this modeling did not meet the statistical confidence thresholds required to predict the impact of this variant on TSC2 protein function. This variant disrupts the p.Thr147 amino acid residue in TSC2. Other variant(s) that disrupt this residue have been determined to be pathogenic (Invitae). This suggests that this residue is clinically significant, and that variants that disrupt this residue are likely to be disease-causing. In summary, the available evidence is currently insufficient to determine the role of this variant in disease. Therefore, it has been classified as a Variant of Uncertain Significance. This variant has not been reported in the literature in individuals affected with TSC2-related conditions. This sequence change replaces threonine, which is neutral and polar, with proline, which is neutral and non-polar, at codon 147 of the TSC2 protein (p.Thr147Pro). This variant is not present in population databases (gnomAD no frequency).